The following is an entry in ClinVar:

ClinVar aggregate classification (germline): Uncertain significance. Review status: criteria provided, multiple submitters, no conflicts (2 of 4 stars). 2 submissions from 2 submitters: Uncertain significance (2). Last evaluated 2024-04-29.

Conditions:
Ataxia-telangiectasia syndrome (AT). Also called: Ataxia telangiectasia (A-T); LOUIS-BAR SYNDROME; Cerebello-oculocutaneous telangiectasia; Immunodeficiency with ataxia telangiectasia; Ataxia-telangiectasia, complementation group D; AT, COMPLEMENTATION GROUP C. Identifiers: Orphanet 100, MedGen C0004135, MONDO:0008840, OMIM 208900.
Hereditary cancer-predisposing syndrome. Also called: Neoplastic Syndromes, Hereditary; Tumor predisposition; Hereditary neoplastic syndrome; Hereditary Cancer Syndrome. Identifiers: Orphanet 140162, MedGen C0027672, MeSH D009386, MONDO:0015356.

Submissions (2):

Labcorp Genetics (formerly Invitae), Labcorp
Classification: Uncertain significance for Ataxia-telangiectasia syndrome. Last evaluated: 2024-04-29. Review status: criteria provided, single submitter. Criteria: Invitae Variant Classification Sherloc (09022015). Collection method: clinical testing. Allele origin: germline.
Comment: This variant, c.838_840del, results in the deletion of 1 amino acid(s) of the ATM protein (p.Ile280del), but otherwise preserves the integrity of the reading frame. This variant is not present in population databases (gnomAD no frequency). This variant has not been reported in the literature in individuals affected with ATM-related conditions. ClinVar contains an entry for this variant (Variation ID: 1763164). Experimental studies and prediction algorithms are not available or were not evaluated, and the functional significance of this variant is currently unknown. In summary, the available evidence is currently insufficient to determine the role of this variant in disease. Therefore, it has been classified as a Variant of Uncertain Significance.

Ambry Genetics
Classification: Uncertain significance for Hereditary cancer-predisposing syndrome. Last evaluated: 2015-11-25. Review status: criteria provided, single submitter. Criteria: Ambry Variant Classification Scheme 2023. Collection method: clinical testing. Allele origin: germline.
Comment: The c.838_840delATT variant (also known as p.I280del) is located in coding exon 6 of the ATM gene. This variant results from an in-frame ATT deletion of between nucleotide positions 838 and 840, causing the removal of a well-conserved isoleucine residue at codon 280. This variant was not reported in population based cohorts in the following databases: Database of Single Nucleotide Polymorphisms (dbSNP), NHLBI Exome Sequencing Project (ESP), and 1000 Genomes Project. In the ESP, this variant was not observed in 6499 samples (12998 alleles) with coverage at this position. To date, this alteration has been detected with an allele frequency of approximately 0.001% (greater than 125000 alleles tested) in our clinical cohort. Since supporting evidence is limited at this time, the clinical significance of c.838_840delATT remains unclear.

NM_000051.4(ATM):c.835ATT[1] (p.Ile280del)

Gene: ATM (ATM serine/threonine kinase; plus strand). Cytogenetic location: 11q22.3.
Variant type: Microsatellite.
Coding change: c.835ATT[1] on transcript NM_000051.4 (MANE Select); one copy of the 3-base unit ATT starting at c.835; the reference has two copies in a row; one copy, 3 bases deleted.
Protein change: p.Ile280del; deletes isoleucine 280.
Molecular consequence: inframe deletion. On other transcripts: inframe indel (2).
Genome position (GRCh38, 1-based): chr11:108,244,963-108,244,965, ATT deleted; deleting any 3 consecutive bases within chr11:108,244,960-108,244,965 gives the same sequence; the position shown is the placement nearest the transcript's 3' end. VCF-style (leftmost placement, unchanged base first): chr11-108244959-CATT-C. GRCh37 (hg19) VCF-style: chr11-108115686-CATT-C.
Other names: c.835_837ATT[1], p.Ile280del (NM_000051.3); c.835ATT[1], p.Ile280del (NM_001351834.2); c.838_840delATT (NM_000051.3); short protein forms I280del.
Identifiers: ClinVar variation 1763164 (VCV001763164.7), dbSNP rs2079769637, ClinGen allele CA1998765284.
Genomic context (GRCh38, chr11:108,244,959, plus strand): 5'-TCTTCCCACTTTGCTTTATATTTGGACTCAACATAGGCTTAATGATTCTTTAAAAGAAGT[CATT>C]ATTGAATTATTTCAACTGCAAATTTATATCCATCATCCGAAAGGAGCCAAAACCCAAGAA-3'